The following is an entry in ClinVar:

ClinVar aggregate classification (germline): Uncertain significance (1 of 4 stars; one submission).

gnomAD v4.1: 5 of 1,613,932 alleles (0.00031%); highest among the groups gnomAD compares: East Asian, 0.011%; no homozygotes.

Submission:

Labcorp Genetics (formerly Invitae), Labcorp
Classification: Uncertain significance. Last evaluated: 2025-04-02. Review status: criteria provided, single submitter. Criteria: Invitae Variant Classification Sherloc (09022015). Collection method: clinical testing. Allele origin: germline.
Comment: This sequence change replaces alanine, which is neutral and non-polar, with proline, which is neutral and non-polar, at codon 984 of the DUOX2 protein (p.Ala984Pro). This variant is present in population databases (rs138358075, gnomAD 0.006%). This variant has not been reported in the literature in individuals affected with DUOX2-related conditions. ClinVar contains an entry for this variant (Variation ID: 1433395). Invitae Evidence Modeling of protein sequence and biophysical properties (such as structural, functional, and spatial information, amino acid conservation, physicochemical variation, residue mobility, and thermodynamic stability) indicates that this missense variant is not expected to disrupt DUOX2 protein function with a negative predictive value of 95%. In summary, the available evidence is currently insufficient to determine the role of this variant in disease. Therefore, it has been classified as a Variant of Uncertain Significance.

NM_001363711.2(DUOX2):c.2950G>C (p.Ala984Pro)

Gene: DUOX2 (dual oxidase 2; minus strand). Cytogenetic location: 15q21.1.
Variant type: single nucleotide variant.
Coding change: c.2950G>C on transcript NM_001363711.2 (MANE Select); coding-DNA position 2950, G replaced by C.
Protein change: p.Ala984Pro; replaces alanine 984 with proline.
Molecular consequence: missense variant.
Genome position (GRCh38, 1-based): chr15:45,100,810, C>G on the plus strand (G>C on the coding strand, the complement: DUOX2 is on the minus strand). VCF-style: chr15-45100810-C-G. GRCh37 (hg19) VCF-style: chr15-45393008-C-G.
Other names: c.2950G>C, p.Ala984Pro (NM_014080.5); short protein forms A984P.
Identifiers: ClinVar variation 1433395 (VCV001433395.6), dbSNP rs138358075, ClinGen allele CA7538063.